The following is an entry in ClinVar:

ClinVar aggregate classification (germline): Uncertain significance (1 of 4 stars; one submission).

gnomAD v4.1: 3 of 1,614,282 alleles (0.00019%); highest among the groups gnomAD compares: Middle Eastern, 0.016%; no homozygotes.

Submission:

Labcorp Genetics (formerly Invitae), Labcorp
Classification: Uncertain significance. Last evaluated: 2025-10-09. Review status: criteria provided, single submitter. Criteria: Invitae Variant Classification Sherloc (09022015). Collection method: clinical testing. Allele origin: germline.
Comment: This sequence change replaces glutamine, which is neutral and polar, with glutamic acid, which is acidic and polar, at codon 330 of the APOA5 protein (p.Gln330Glu). This variant is present in population databases (no rsID available, gnomAD 0.0009%). This variant has not been reported in the literature in individuals affected with APOA5-related conditions. An algorithm developed to predict the effect of missense changes on protein structure and function outputs the following: PolyPhen-2: "Benign". The glutamic acid amino acid residue is found in multiple mammalian species, which suggests that this missense change does not adversely affect protein function. In summary, the available evidence is currently insufficient to determine the role of this variant in disease. Therefore, it has been classified as a Variant of Uncertain Significance.

NM_001371904.1(APOA5):c.988C>G (p.Gln330Glu)

Gene: APOA5 (apolipoprotein A5; minus strand). Cytogenetic location: 11q23.3.
Variant type: single nucleotide variant.
Coding change: c.988C>G on transcript NM_001371904.1 (MANE Select); coding-DNA position 988, C replaced by G.
Protein change: p.Gln330Glu; replaces glutamine 330 with glutamic acid.
Molecular consequence: missense variant.
Genome position (GRCh38, 1-based): chr11:116,790,241, G>C on the plus strand (C>G on the coding strand, the complement: APOA5 is on the minus strand). VCF-style: chr11-116790241-G-C. GRCh37 (hg19) VCF-style: chr11-116660957-G-C.
Other names: c.988C>G, p.Gln330Glu (NM_001166598.2, NM_052968.5); short protein forms Q330E.
Identifiers: ClinVar variation 4706099 (VCV004706099.1).
Genomic context (GRCh38, chr11:116,790,241, plus strand): 5'-CTTCCCACAGGTCATCCAGACGGGCCTGCAGCTTGCTCAGAACCTTGCCACTGTCTGTTT[G>C]TTGAAACTCTGGGGCGAAGGCACTGTGGCCTGGTGGAGGTGGCGCCAGCTGCTGCTGGAC-3'
Protein context (NP_001358833.1, residues 320-340): GHSAFAPEFQ[Gln330Glu]TDSGKVLSKL